The following is an entry in ClinVar:

NM_177438.3(DICER1):c.5451del (p.Ala1818fs)

Gene: DICER1 (dicer 1, ribonuclease III; minus strand). Cytogenetic location: 14q32.13.
Variant type: Deletion.
Coding change: c.5451del on transcript NM_177438.3 (MANE Select); coding-DNA position 5451, one base deleted (T; older notation c.5451delT).
Protein change: p.Ala1818fs; shifts the reading frame from alanine 1818.
Molecular consequence: frameshift variant. On other transcripts: non-coding transcript variant (6), intron variant (1).
Genome position (GRCh38, 1-based): chr14:95,091,279, A deleted on the plus strand (T on the coding strand, the reverse complement: DICER1 is on the minus strand). VCF-style (leftmost placement, unchanged base first): chr14-95091278-CA-C. GRCh37 (hg19) VCF-style: chr14-95557615-CA-C.
Other names: c.5451del, p.Ala1818fs (NM_001271282.3, NM_001291628.2, NM_001395677.1 and 7 more transcripts); c.5451delT, p.Ala1818Profs (NM_001395681.1); c.5169del, p.Ala1724fs (NM_001395686.1); c.5046del, p.Ala1683fs (NM_001395687.1, NM_001395688.1, NM_001395689.1 and 1 more transcripts); c.4884del, p.Ala1629fs (NM_001395691.1); c.3768del, p.Ala1257fs (NM_001395697.1); c.5365-170del (NM_001195573.1); short protein forms A1257fs, A1724fs, A1629fs, A1818fs, A1683fs.
Identifiers: ClinVar variation 2113648 (VCV002113648.4), dbSNP rs2542405788, ClinGen allele CA2580088999.
Genomic context (GRCh38, chr14:95,091,278, plus strand): 5'-TCATGGGATAGTACACCTGCCAGACTGTCTCCAGTGACATCCCACTATCCATGTAAATGG[CA>C]CCAGCAAGCGACTCAAAAATATCCCCCATGGCCTTTGGAACTTCAATATCCTCTTCTTTC-3'

ClinVar aggregate classification (germline): Pathogenic (1 of 4 stars; one submission).

Conditions:
DICER1-related tumor predisposition. Also called: DICER1 syndrome; DICER1-related pleuropulmonary blastoma cancer predisposition syndrome. Identifiers: Orphanet 284343, MedGen C3839822, MONDO:0100216.

Submission:

Labcorp Genetics (formerly Invitae), Labcorp
Classification: Pathogenic for DICER1-related tumor predisposition. Last evaluated: 2022-03-18. Review status: criteria provided, single submitter. Criteria: Invitae Variant Classification Sherloc (09022015). Collection method: clinical testing. Allele origin: germline.
Comment: This variant is not present in population databases (gnomAD no frequency). This sequence change creates a premature translational stop signal (p.Ala1818Profs*20) in the DICER1 gene. It is expected to result in an absent or disrupted protein product. Loss-of-function variants in DICER1 are known to be pathogenic (PMID: 19556464, 21266384). For these reasons, this variant has been classified as Pathogenic. This variant has not been reported in the literature in individuals affected with DICER1-related conditions.

Literature cited by the submitters: PubMed 19556464; PubMed 21266384.